The following is an entry in ClinVar:

ClinVar aggregate classification (germline): Likely benign. Review status: criteria provided, multiple submitters, no conflicts (2 of 4 stars). 3 submissions from 3 submitters: Likely benign (3). Last evaluated 2025-10-01.

Conditions:
Cardiovascular phenotype. Identifiers: MedGen CN230736.
Dilated cardiomyopathy 1W (CMD1W). Identifiers: Orphanet 154, MedGen C1969639, MONDO:0012667, OMIM 611407.

Allele frequency attached by ClinVar (database versions not stated): gnomAD exomes below 0.00001 and 0.00001; ExAC 0.00002.
gnomAD v4.1: 10 of 1,614,116 alleles (0.00062%); highest among the groups gnomAD compares: Middle Eastern, 0.066%; no homozygotes.

Submissions (3):

Labcorp Genetics (formerly Invitae), Labcorp
Classification: Likely benign for Dilated cardiomyopathy 1W. Last evaluated: 2025-10-01. Review status: criteria provided, single submitter. Criteria: Invitae Variant Classification Sherloc (09022015). Collection method: clinical testing. Allele origin: germline.

Ambry Genetics
Classification: Likely benign for Cardiovascular phenotype. Last evaluated: 2022-06-06. Review status: criteria provided, single submitter. Criteria: Ambry Variant Classification Scheme 2023. Collection method: clinical testing. Allele origin: germline.

GeneDx
Classification: Likely benign. Last evaluated: 2016-06-30. Review status: criteria provided, single submitter. Criteria: GeneDx Variant Classification (06012015). Collection method: clinical testing. Allele origin: germline. Affected: yes.
Comment: This variant is considered likely benign or benign based on one or more of the following criteria: it is a conservative change, it occurs at a poorly conserved position in the protein, it is predicted to be benign by multiple in silico algorithms, and/or has population frequency not consistent with disease.

NM_014000.3(VCL):c.780C>T (p.Ser260=)

Gene: VCL (vinculin; plus strand). Cytogenetic location: 10q22.2.
Variant type: single nucleotide variant.
Coding change: c.780C>T on transcript NM_014000.3 (MANE Select); coding-DNA position 780, C replaced by T.
Protein change: p.Ser260=; no amino-acid change (serine 260 retained).
Molecular consequence: synonymous variant.
Genome position (GRCh38, 1-based): chr10:74,074,900, C>T. VCF-style: chr10-74074900-C-T. GRCh37 (hg19) VCF-style: chr10-75834658-C-T.
Other names: c.780C>T, p.Ser260= (NM_003373.4).
Identifiers: ClinVar variation 387383 (VCV000387383.10), dbSNP rs774377548, ClinGen allele CA5562844.